The following is an entry in ClinVar:

NM_001164508.2(NEB):c.20536G>T (p.Glu6846Ter)

Gene: NEB (nebulin; minus strand). Cytogenetic location: 2q23.3.
Variant type: single nucleotide variant.
Coding change: c.20536G>T on transcript NM_001164508.2 (MANE Select); coding-DNA position 20536, G replaced by T.
Protein change: p.Glu6846Ter; replaces glutamic acid 6846 with a stop codon.
Molecular consequence: nonsense.
Genome position (GRCh38, 1-based): chr2:151,545,929, C>A on the plus strand (G>T on the coding strand, the complement: NEB is on the minus strand). VCF-style: chr2-151545929-C-A. GRCh37 (hg19) VCF-style: chr2-152402443-C-A.
Other names: c.20536G>T, p.Glu6846Ter (NM_001164507.2, NM_001271208.2); c.15433G>T, p.Glu5145Ter (NM_004543.5); short protein forms E6846*, E5145*.
Identifiers: ClinVar variation 2794255 (VCV002794255.3), dbSNP rs2552171943, ClinGen allele CA348779986.

ClinVar aggregate classification (germline): Pathogenic (1 of 4 stars; one submission).

Conditions:
Nemaline myopathy 2 (NEM2). Also called: Nemaline myopathy 2, autosomal recessive. Identifiers: MedGen C1850569, MONDO:0009725, OMIM 256030.

Submission:

Labcorp Genetics (formerly Invitae), Labcorp
Classification: Pathogenic for Nemaline myopathy 2. Last evaluated: 2024-01-02. Review status: criteria provided, single submitter. Criteria: Invitae Variant Classification Sherloc (09022015). Collection method: clinical testing. Allele origin: germline.
Comment: This sequence change creates a premature translational stop signal (p.Glu6846*) in the NEB gene. It is expected to result in an absent or disrupted protein product. Loss-of-function variants in NEB are known to be pathogenic (PMID: 25205138). This variant is not present in population databases (gnomAD no frequency). This variant has not been reported in the literature in individuals affected with NEB-related conditions. For these reasons, this variant has been classified as Pathogenic.

Literature cited by the submitters: PubMed 25205138.